The following is an entry in ClinVar:

NM_000214.3(JAG1):c.477C>A (p.Gly159=)

Gene: JAG1 (jagged canonical Notch ligand 1; minus strand). Cytogenetic location: 20p12.2.
Variant type: single nucleotide variant.
Coding change: c.477C>A on transcript NM_000214.3 (MANE Select); coding-DNA position 477, C replaced by A.
Protein change: p.Gly159=; no amino-acid change (glycine 159 retained).
Molecular consequence: synonymous variant.
Genome position (GRCh38, 1-based): chr20:10,658,685, G>T on the plus strand (C>A on the coding strand, the complement: JAG1 is on the minus strand). VCF-style: chr20-10658685-G-T. GRCh37 (hg19) VCF-style: chr20-10639333-G-T.
Identifiers: ClinVar variation 3573314 (VCV003573314.2).

Conditions:
Arteriohepatic dysplasia. Also called: Alagille Syndrome. Identifiers: Orphanet 52, MedGen C0085280, MeSH D016738, MONDO:0007318.

Submission:

Gilbert/Spinner Lab, Children's Hospital of Philadelphia
No classification provided (evidence only). Condition: Alagille syndrome. Review status: no classification provided. Collection method: research. Allele origin: not applicable. Functional consequence: functionally_abnormal.
ClinVar note: "not provided" was previously submitted as the classification for the variant. However, the classification appeared to be based only on an observation of functional data so it was converted to no classification on 2025-07-30.